The following is an entry in ClinVar:

NM_133433.4(NIPBL):c.1234C>T (p.Arg412Cys)

Gene: NIPBL (NIPBL cohesin loading factor; plus strand). Cytogenetic location: 5p13.2.
Variant type: single nucleotide variant.
Coding change: c.1234C>T on transcript NM_133433.4 (MANE Select); coding-DNA position 1234, C replaced by T.
Protein change: p.Arg412Cys; replaces arginine 412 with cysteine.
Molecular consequence: missense variant.
Genome position (GRCh38, 1-based): chr5:36,976,141, C>T. VCF-style: chr5-36976141-C-T. GRCh37 (hg19) VCF-style: chr5-36976243-C-T.
Other names: c.1234C>T, p.Arg412Cys (NM_015384.5); short protein forms R412C.
Identifiers: ClinVar variation 967243 (VCV000967243.10), dbSNP rs571300383, ClinGen allele CA3235997.
Genomic context (GRCh38, chr5:36,976,141, plus strand): 5'-TTTAATGTGCAGTACCCAGGACAGACTTCAAAAACACCCATTACTCCACAAGATATAAAC[C>T]GCCCACTAAATGCTGCTCAATGTTTGTCGCAGCAAGAACAAACAGCATTCCTTCCAGCAA-3'
Protein context (NP_597677.2, residues 402-422): KTPITPQDIN[Arg412Cys]PLNAAQCLSQ

ClinVar aggregate classification (germline): Uncertain significance (1 of 4 stars; one submission).

Conditions:
Cornelia de Lange syndrome 1 (CDLS1). Also called: Brachmann de Lange syndrome; TYPUS DEGENERATIVUS AMSTELODAMENSIS; NIPBL-Related Cornelia de Lange Syndrome. Identifiers: Orphanet 199, MedGen C4551851, MONDO:0007387, OMIM 122470.

Allele frequency attached by ClinVar (database versions not stated): gnomAD exomes 0.00002; ExAC 0.00004; 1000 Genomes Project 30x 0.00016; 1000 Genomes Project 0.00020.
gnomAD v4.1: 13 of 1,613,570 alleles (0.00081%); highest among the groups gnomAD compares: East Asian, 0.0022%; no homozygotes.

Submission:

Labcorp Genetics (formerly Invitae), Labcorp
Classification: Uncertain significance for Cornelia de Lange syndrome 1. Last evaluated: 2025-01-08. Review status: criteria provided, single submitter. Criteria: Invitae Variant Classification Sherloc (09022015). Collection method: clinical testing. Allele origin: germline.
Comment: This sequence change replaces arginine, which is basic and polar, with cysteine, which is neutral and slightly polar, at codon 412 of the NIPBL protein (p.Arg412Cys). This variant is present in population databases (rs571300383, gnomAD 0.005%). This variant has not been reported in the literature in individuals affected with NIPBL-related conditions. This missense change has been observed to co-occur in individuals with a different variant in NIPBL that has been determined to be pathogenic (internal data), but the significance of this finding is unclear. ClinVar contains an entry for this variant (Variation ID: 967243). Invitae Evidence Modeling of protein sequence and biophysical properties (such as structural, functional, and spatial information, amino acid conservation, physicochemical variation, residue mobility, and thermodynamic stability) has been performed for this missense variant. However, the output from this modeling did not meet the statistical confidence thresholds required to predict the impact of this variant on NIPBL protein function. In summary, the available evidence is currently insufficient to determine the role of this variant in disease. Therefore, it has been classified as a Variant of Uncertain Significance.